The following is an entry in ClinVar:

ClinVar aggregate classification (germline): Uncertain significance. Review status: criteria provided, multiple submitters, no conflicts (2 of 4 stars). 2 submissions from 2 submitters: Uncertain significance (2). Last evaluated 2025-11-06.

Conditions:
Inborn genetic diseases. Identifiers: MedGen C0950123, MeSH D030342.

Allele frequency attached by ClinVar (database versions not stated): 1000 Genomes Project 30x 0.00047; 1000 Genomes Project 0.00060.
gnomAD v4.1: 10 of 1,614,194 alleles (0.00062%); highest among the groups gnomAD compares: Middle Eastern, 0.016%; no homozygotes.

Submissions (2):

Ambry Genetics
Classification: Uncertain significance for Inborn genetic diseases. Last evaluated: 2025-11-06. Review status: criteria provided, single submitter. Criteria: Ambry Variant Classification Scheme 2023. Collection method: clinical testing. Allele origin: germline.

Labcorp Genetics (formerly Invitae), Labcorp
Classification: Uncertain significance. Last evaluated: 2022-08-20. Review status: criteria provided, single submitter. Criteria: Invitae Variant Classification Sherloc (09022015). Collection method: clinical testing. Allele origin: germline.
Comment: In summary, the available evidence is currently insufficient to determine the role of this variant in disease. Therefore, it has been classified as a Variant of Uncertain Significance. Advanced modeling of protein sequence and biophysical properties (such as structural, functional, and spatial information, amino acid conservation, physicochemical variation, residue mobility, and thermodynamic stability) performed at Invitae indicates that this missense variant is not expected to disrupt CDHR1 protein function. This variant has not been reported in the literature in individuals affected with CDHR1-related conditions. This variant is present in population databases (rs147597566, gnomAD 0.02%). This sequence change replaces serine, which is neutral and polar, with arginine, which is basic and polar, at codon 79 of the CDHR1 protein (p.Ser79Arg).

NM_033100.4(CDHR1):c.237C>A (p.Ser79Arg)

Gene: CDHR1 (cadherin related family member 1; plus strand). Cytogenetic location: 10q23.1.
Variant type: single nucleotide variant.
Coding change: c.237C>A on transcript NM_033100.4 (MANE Select); coding-DNA position 237, C replaced by A.
Protein change: p.Ser79Arg; replaces serine 79 with arginine.
Molecular consequence: missense variant.
Genome position (GRCh38, 1-based): chr10:84,196,590, C>A. VCF-style: chr10-84196590-C-A. GRCh37 (hg19) VCF-style: chr10-85956346-C-A.
Other names: c.237C>A, p.Ser79Arg (NM_001171971.3); c.237C>A (NM_033100.2); short protein forms S79R.
Identifiers: ClinVar variation 1935596 (VCV001935596.4), dbSNP rs147597566, ClinGen allele CA5579466.